The following is an entry in ClinVar:

NM_001197104.2(KMT2A):c.11071+1G>A

Gene: KMT2A (lysine methyltransferase 2A; plus strand). Cytogenetic location: 11q23.3.
Variant type: single nucleotide variant.
Coding change: c.11071+1G>A on transcript NM_001197104.2 (MANE Select); the canonical splice donor site of the intron after coding-DNA position 11071, G replaced by A.
Molecular consequence: splice donor variant.
Genome position (GRCh38, 1-based): chr11:118,510,119, G>A. VCF-style: chr11-118510119-G-A. GRCh37 (hg19) VCF-style: chr11-118380834-G-A.
Other names: c.11161+1G>A (NM_001412597.1); c.11062+1G>A (NM_005933.4).
Identifiers: ClinVar variation 446424 (VCV000446424.2), dbSNP rs1555049702, ClinGen allele CA382830224.

ClinVar aggregate classification (germline): Pathogenic. Review status: criteria provided, multiple submitters, no conflicts (2 of 4 stars). 2 submissions from 2 submitters: Pathogenic (2). Last evaluated 2025-10-03.

Conditions:
Wiedemann-Steiner syndrome (WDSTS). Also called: Growth deficiency and mental retardation with facial dysmorphism. Identifiers: Orphanet 319182, MedGen C1854630, MONDO:0011518, OMIM 605130.

Submissions (2):

GeneDx
Classification: Pathogenic. Last evaluated: 2025-10-03. Review status: criteria provided, single submitter. Criteria: GeneDx Variant Classification Process June 2021. Collection method: clinical testing. Allele origin: germline. Affected: yes.
Comment: Previously reported as a de novo variant in a proband from a large developmental disorders cohort; however, detailed clinical information was not provided (PMID: 33057194); Canonical splice site variant predicted to result in an in-frame loss of the adjacent exon in a gene for which loss of function is a known mechanism of disease; Not observed at significant frequency in large population cohorts (gnomAD); This variant is associated with the following publications: (PMID: 35982159, 33057194, Fontana2020)

MVZ Martinsried, Medicover Genetics
Classification: Pathogenic for Wiedemann-Steiner syndrome. Last evaluated: 2017-08-09. Review status: criteria provided, single submitter. Criteria: ACMG Guidelines, 2015. Collection method: clinical testing. Allele origin: unknown. Affected: yes.